The following is an entry in ClinVar:

ClinVar aggregate classification (germline): Likely benign (0 of 4 stars; one submission).

Conditions:
BIRC6-related disorder. Also called: BIRC6-related condition.

Allele frequency attached by ClinVar (database versions not stated): ExAC 0.00023; gnomAD 0.00030; TOPMed 0.00031; ESP Exome Variant Server 0.00038; gnomAD exomes 0.00043.
gnomAD v4.1: 663 of 1,613,612 alleles (0.041%); highest among the groups gnomAD compares: Non-Finnish European, 0.052%; 1 homozygote.

Submission:

PreventionGenetics, part of Exact Sciences
Classification: Likely benign for BIRC6-related condition. Last evaluated: 2019-04-11. Review status: no assertion criteria provided. Collection method: clinical testing. Allele origin: germline.
Comment: This variant is classified as likely benign based on ACMG/AMP sequence variant interpretation guidelines (Richards et al. 2015 PMID: 25741868, with internal and published modifications).

NM_016252.4(BIRC6):c.5610A>G (p.Arg1870=)

Gene: BIRC6 (baculoviral IAP repeat containing 6; plus strand). Cytogenetic location: 2p22.3.
Variant type: single nucleotide variant.
Coding change: c.5610A>G on transcript NM_016252.4 (MANE Select); coding-DNA position 5610, A replaced by G.
Protein change: p.Arg1870=; no amino-acid change (arginine 1870 retained).
Molecular consequence: synonymous variant.
Genome position (GRCh38, 1-based): chr2:32,467,941, A>G. VCF-style: chr2-32467941-A-G. GRCh37 (hg19) VCF-style: chr2-32693009-A-G.
Other names: c.5580A>G, p.Arg1860= (NM_001378125.1).
Identifiers: ClinVar variation 3039624 (VCV003039624.2), dbSNP rs140684752, ClinGen allele CA1603694.